The following is an entry in ClinVar:

NM_001142800.2(EYS):c.4507A>T (p.Lys1503Ter)

Gene: EYS (EGF-like photoreceptor maintenance factor; minus strand). Cytogenetic location: 6q12.
Variant type: single nucleotide variant.
Coding change: c.4507A>T on transcript NM_001142800.2 (MANE Select); coding-DNA position 4507, A replaced by T.
Protein change: p.Lys1503Ter; replaces lysine 1503 with a stop codon.
Molecular consequence: nonsense.
Genome position (GRCh38, 1-based): chr6:64,591,360, T>A on the plus strand (A>T on the coding strand, the complement: EYS is on the minus strand). VCF-style: chr6-64591360-T-A. GRCh37 (hg19) VCF-style: chr6-65301253-T-A.
Other names: c.4507A>T, p.Lys1503Ter (NM_001292009.2); short protein forms K1503*.
Identifiers: ClinVar variation 5011557 (VCV005011557.1).
Genomic context (GRCh38, chr6:64,591,360, plus strand): 5'-GATTGAAGGCTTTTGTACTGAACCGGTGCAGAGCTGATGAGTTTAAGATGGTTACCTGTT[T>A]AGATATAATTACCTTAGCAGGAAAAATGGGAGACATCGAGGGGCTGAGCAATCTCCAGTG-3'

ClinVar aggregate classification (germline): Pathogenic (1 of 4 stars; one submission).

Conditions:
Retinitis pigmentosa 25 (RP25). Identifiers: Orphanet 791, MedGen C1864446, MONDO:0011272, OMIM 602772.

Submission:

Myriad Genetics, Inc.
Classification: Pathogenic for Retinitis pigmentosa 25. Last evaluated: 2023-09-05. Review status: criteria provided, single submitter. Criteria: Myriad Autosomal Dominant, Autosomal Recessive and X-Linked Classification Criteria (2023). Collection method: clinical testing. Allele origin: unknown.
Comment: NM_001142800.1(EYS):c.4507A>T(K1503*) is expected to be pathogenic in the context of retinitis pigmentosa, EYS-related. This variant is predicted to lead to an abnormal or absent protein product due to the creation of a premature termination codon in EYS, a gene where loss-of-function variants are known to be pathogenic. Please note: this variant was assessed in the context of healthy population screening.